The following is an entry in ClinVar:

NM_000520.6(HEXA):c.1443C>T (p.Ala481=)

Gene: HEXA (hexosaminidase subunit alpha; minus strand). Cytogenetic location: 15q23.
Variant type: single nucleotide variant.
Coding change: c.1443C>T on transcript NM_000520.6 (MANE Select); coding-DNA position 1443, C replaced by T.
Protein change: p.Ala481=; no amino-acid change (alanine 481 retained).
Molecular consequence: synonymous variant. On other transcripts: non-coding transcript variant (1).
Genome position (GRCh38, 1-based): chr15:72,345,529, G>A on the plus strand (C>T on the coding strand, the complement: HEXA is on the minus strand). VCF-style: chr15-72345529-G-A. GRCh37 (hg19) VCF-style: chr15-72637870-G-A.
Other names: c.1476C>T, p.Ala492= (NM_001318825.2); c.1443C>T (NM_000520.5).
Identifiers: ClinVar variation 697761 (VCV000697761.11), dbSNP rs140091006, ClinGen allele CA7644673.

ClinVar aggregate classification (germline): Likely benign. Review status: criteria provided, multiple submitters, no conflicts (2 of 4 stars). 2 submissions from 2 submitters: Likely benign (2). Last evaluated 2026-03-12.

Conditions:
Tay-Sachs disease (TSD). Also called: GM2 gangliosidosis, type 1; Hexosaminidase alpha-subunit deficiency (variant B); Sphingolipidosis, Tay-Sachs; HEXA DEFICIENCY; Hexosaminidase A Deficiency; HEXA Disorders. Identifiers: Orphanet 845, MedGen C0039373, MONDO:0010100, OMIM 272800.
HEXA-related disorder. Also called: HEXA-related condition.

Allele frequency attached by ClinVar (database versions not stated): gnomAD exomes 0.00004 and 0.00007; ExAC 0.00008; gnomAD 0.00013 and 0.00015; ESP Exome Variant Server 0.00015; TOPMed 0.00019; 1000 Genomes Project 0.00020; 1000 Genomes Project 30x 0.00031.
gnomAD v4.1: 83 of 1,614,196 alleles (0.0051%); highest among the groups gnomAD compares: African/African-American, 0.052%; no homozygotes.

Submissions (2):

PreventionGenetics, part of Exact Sciences
Classification: Likely benign for HEXA-related condition. Last evaluated: 2026-03-12. Review status: criteria provided, single submitter. Criteria: ACMG Guidelines, 2015. Collection method: clinical testing. Allele origin: germline.
Comment: This variant is classified as likely benign based on ACMG/AMP sequence variant interpretation guidelines (Richards et al. 2015 PMID: 25741868, with internal and published modifications).

Labcorp Genetics (formerly Invitae), Labcorp
Classification: Likely benign for Tay-Sachs disease. Last evaluated: 2026-01-22. Review status: criteria provided, single submitter. Criteria: Invitae Variant Classification Sherloc (09022015). Collection method: clinical testing. Allele origin: germline.